The following is an entry in ClinVar:

NM_001114753.3(ENG):c.1148C>G (p.Thr383Ser)

Genes: ENG (endoglin; minus strand), LOC102723566 (uncharacterized LOC102723566; plus strand). Cytogenetic location: 9q34.11.
Variant type: single nucleotide variant.
Coding change: c.1148C>G on transcript NM_001114753.3 (MANE Select); coding-DNA position 1148, C replaced by G.
Protein change: p.Thr383Ser; replaces threonine 383 with serine.
Molecular consequence: missense variant.
Genome position (GRCh38, 1-based): chr9:127,820,024, G>C on the plus strand (C>G on the coding strand, the complement: ENG is on the minus strand). VCF-style: chr9-127820024-G-C. GRCh37 (hg19) VCF-style: chr9-130582303-G-C.
Other names: c.1148C>G, p.Thr383Ser (NM_000118.4); c.602C>G, p.Thr201Ser (NM_001278138.2); short protein forms T383S, T201S.
Identifiers: ClinVar variation 1733024 (VCV001733024.2), dbSNP rs1830435061, ClinGen allele CA374978854.

ClinVar aggregate classification (germline): Uncertain significance (1 of 4 stars; one submission).

Conditions:
Cardiovascular phenotype. Identifiers: MedGen CN230736.

Submission:

Ambry Genetics
Classification: Uncertain significance for Cardiovascular phenotype. Last evaluated: 2019-09-12. Review status: criteria provided, single submitter. Criteria: Ambry Variant Classification Scheme 2023. Collection method: clinical testing. Allele origin: germline.
Comment: The p.T383S variant (also known as c.1148C>G), located in coding exon 9 of the ENG gene, results from a C to G substitution at nucleotide position 1148. The threonine at codon 383 is replaced by serine, an amino acid with similar properties. This amino acid position is not well conserved in available vertebrate species. In addition, this alteration is predicted to be tolerated by in silico analysis. Since supporting evidence is limited at this time, the clinical significance of this alteration remains unclear.